The following is an entry in ClinVar:

ClinVar aggregate classification (germline): Conflicting classifications of pathogenicity. Review status: criteria provided, conflicting classifications (1 of 4 stars). 4 submissions from 3 submitters: Uncertain significance (2); Benign (1). 1 of the submissions does not count toward it. Last evaluated 2026-01-13.

Conditions:
Weill-Marchesani syndrome. Also called: WM Syndrome; Mesodermal dysmorphodystrophy congenital. Identifiers: Orphanet 3449, MedGen C0265313, MONDO:0018096.
LTBP2-related disorder. Also called: LTBP2-related condition; LTBP2-related disorders.
Glaucoma 3, primary congenital, D. Identifiers: Orphanet 98976, MedGen C2751316, MONDO:0013122, OMIM 613086.

Allele frequency attached by ClinVar (database versions not stated): gnomAD 0.00015 and 0.00013; TOPMed 0.00026; 1000 Genomes Project 30x 0.00031; 1000 Genomes Project 0.00040; ExAC 0.00045; gnomAD exomes 0.00051 and 0.00014.
gnomAD v4.1: 226 of 1,612,560 alleles (0.014%); highest among the groups gnomAD compares: Admixed American, 0.25%; no homozygotes.

Submissions (4):

Labcorp Genetics (formerly Invitae), Labcorp
Classification: Benign. Last evaluated: 2026-01-13. Review status: criteria provided, single submitter. Criteria: Invitae Variant Classification Sherloc (09022015). Collection method: clinical testing. Allele origin: germline.

Illumina Laboratory Services, Illumina
Classification: Uncertain significance for Weill-Marchesani syndrome. Last evaluated: 2018-01-13. Review status: criteria provided, single submitter. Criteria: ICSL Variant Classification Criteria 13 December 2019. Collection method: clinical testing. Allele origin: germline.

Illumina Laboratory Services, Illumina
Classification: Uncertain significance for Glaucoma 3, primary congenital, D. Last evaluated: 2018-01-13. Review status: criteria provided, single submitter. Criteria: ICSL Variant Classification Criteria 13 December 2019. Collection method: clinical testing. Allele origin: germline.

PreventionGenetics, part of Exact Sciences
Classification: Likely benign for LTBP2-related condition. Last evaluated: 2019-06-13. Review status: no assertion criteria provided. Collection method: clinical testing. Allele origin: germline. Not counted in ClinVar's aggregate classification.
Comment: This variant is classified as likely benign based on ACMG/AMP sequence variant interpretation guidelines (Richards et al. 2015 PMID: 25741868, with internal and published modifications).

NM_000428.3(LTBP2):c.2667C>T (p.Asn889=)

Gene: LTBP2 (latent transforming growth factor beta binding protein 2; minus strand). Cytogenetic location: 14q24.3.
Variant type: single nucleotide variant.
Coding change: c.2667C>T on transcript NM_000428.3 (MANE Select); coding-DNA position 2667, C replaced by T.
Protein change: p.Asn889=; no amino-acid change (asparagine 889 retained).
Molecular consequence: synonymous variant.
Genome position (GRCh38, 1-based): chr14:74,522,032, G>A on the plus strand (C>T on the coding strand, the complement: LTBP2 is on the minus strand). VCF-style: chr14-74522032-G-A. GRCh37 (hg19) VCF-style: chr14-74988735-G-A.
Identifiers: ClinVar variation 714019 (VCV000714019.14), dbSNP rs546041607, ClinGen allele CA7269413.